The following is an entry in ClinVar:

NM_000059.4(BRCA2):c.9413T>C (p.Leu3138Ser)

Gene: BRCA2 (BRCA2 DNA repair associated; plus strand). Cytogenetic location: 13q13.1.
Variant type: single nucleotide variant.
Coding change: c.9413T>C on transcript NM_000059.4 (MANE Select); coding-DNA position 9413, T replaced by C.
Protein change: p.Leu3138Ser; replaces leucine 3138 with serine.
Molecular consequence: missense variant.
Genome position (GRCh38, 1-based): chr13:32,394,845, T>C. VCF-style: chr13-32394845-T-C. GRCh37 (hg19) VCF-style: chr13-32968982-T-C.
Other names: c.9317T>C, p.Leu3106Ser (NM_001406719.1); c.9362T>C, p.Leu3121Ser (NM_001406720.1); c.4481T>C, p.Leu1494Ser (NM_001406721.1); c.2996T>C, p.Leu999Ser (NM_001406722.1); short protein forms L1494S, L3106S, L3121S, L3138S, L999S.
Identifiers: ClinVar variation 2045792 (VCV002045792.4), dbSNP rs886040838, ClinGen allele CA387761427.

ClinVar aggregate classification (germline): Uncertain significance (1 of 4 stars; one submission).

Conditions:
Hereditary breast ovarian cancer syndrome. Also called: Hereditary breast and ovarian cancer syndrome; Hereditary breast and/or ovarian cancer syndrome; BRCA1- and BRCA2-Associated Hereditary Breast and Ovarian Cancer; Hereditary breast and ovarian cancer syndrome (HBOC); Hereditary breast and ovarian cancer; Breast and ovarian cancer. Identifiers: Orphanet 145, MedGen C0677776, MeSH D061325, MONDO:0003582. Disease mechanism: loss of function.

Submission:

Labcorp Genetics (formerly Invitae), Labcorp
Classification: Uncertain significance for Hereditary breast ovarian cancer syndrome. Last evaluated: 2021-12-17. Review status: criteria provided, single submitter. Criteria: Invitae Variant Classification Sherloc (09022015). Collection method: clinical testing. Allele origin: germline.
Comment: This sequence change replaces leucine, which is neutral and non-polar, with serine, which is neutral and polar, at codon 3138 of the BRCA2 protein (p.Leu3138Ser). This variant is not present in population databases (gnomAD no frequency). This variant has not been reported in the literature in individuals affected with BRCA2-related conditions. Advanced modeling of protein sequence and biophysical properties (such as structural, functional, and spatial information, amino acid conservation, physicochemical variation, residue mobility, and thermodynamic stability) performed at Invitae indicates that this missense variant is not expected to disrupt BRCA2 protein function. In summary, the available evidence is currently insufficient to determine the role of this variant in disease. Therefore, it has been classified as a Variant of Uncertain Significance.